The following is an entry in ClinVar:

ClinVar aggregate classification (germline): Likely benign (0 of 4 stars; one submission).

Conditions:
PLXNA1-related disorder. Also called: PLXNA1-related condition.

Submission:

PreventionGenetics, part of Exact Sciences
Classification: Likely benign for PLXNA1-related condition. Last evaluated: 2024-08-27. Review status: no assertion criteria provided. Collection method: clinical testing. Allele origin: germline.
Comment: This variant is classified as likely benign based on ACMG/AMP sequence variant interpretation guidelines (Richards et al. 2015 PMID: 25741868, with internal and published modifications).

NM_032242.4(PLXNA1):c.4161G>A (p.Gly1387=)

Gene: PLXNA1 (plexin A1; plus strand). Cytogenetic location: 3q21.3.
Variant type: single nucleotide variant.
Coding change: c.4161G>A on transcript NM_032242.4 (MANE Select); coding-DNA position 4161, G replaced by A.
Protein change: p.Gly1387=; no amino-acid change (glycine 1387 retained).
Molecular consequence: synonymous variant.
Genome position (GRCh38, 1-based): chr3:127,022,207, G>A. VCF-style: chr3-127022207-G-A. GRCh37 (hg19) VCF-style: chr3-126741050-G-A.
Identifiers: ClinVar variation 3345121 (VCV003345121.1).